The following is an entry in ClinVar:

ClinVar aggregate classification (germline): Uncertain significance (1 of 4 stars; one submission).

Allele frequency attached by ClinVar (database versions not stated): ESP Exome Variant Server 0.00015.
gnomAD v4.1: 378 of 1,613,736 alleles (0.023%); highest among the groups gnomAD compares: Non-Finnish European, 0.03%; no homozygotes.

Submission:

Women's Health and Genetics/Laboratory Corporation of America, LabCorp
Classification: Uncertain significance. Last evaluated: 2024-01-19. Review status: criteria provided, single submitter. Criteria: LabCorp Variant Classification Summary - May 2015. Collection method: clinical testing. Allele origin: germline.
Comment: Variant summary: GIGYF2 c.1317G>C (p.Gln439His) results in a non-conservative amino acid change in the encoded protein sequence. Three of five in-silico tools predict a benign effect of the variant on protein function. The variant allele was found at a frequency of 0.00011 in 251318 control chromosomes, predominantly at a frequency of 0.00022 within the Non-Finnish European subpopulation in the gnomAD database. To our knowledge, no occurrence of c.1317G>C in individuals affected with Parkinson Disease 11, Autosomal Dominant, Susceptibility To and no experimental evidence demonstrating its impact on protein function have been reported. No submitters have cited clinical-significance assessments for this variant to ClinVar. Based on the evidence outlined above, the variant was classified as uncertain significance.

NM_001103146.3(GIGYF2):c.1317G>C (p.Gln439His)

Gene: GIGYF2 (GRB10 interacting GYF protein 2; plus strand). Cytogenetic location: 2q37.1.
Variant type: single nucleotide variant.
Coding change: c.1317G>C on transcript NM_001103146.3 (MANE Select); coding-DNA position 1317, G replaced by C.
Protein change: p.Gln439His; replaces glutamine 439 with histidine.
Molecular consequence: missense variant. On other transcripts: non-coding transcript variant (1).
Genome position (GRCh38, 1-based): chr2:232,794,782, G>C. VCF-style: chr2-232794782-G-C. GRCh37 (hg19) VCF-style: chr2-233659492-G-C.
Other names: c.1380G>C, p.Gln460His (NM_001103147.2); c.1299G>C, p.Gln433His (NM_001103148.2); c.1317G>C, p.Gln439His (NM_015575.4); short protein forms Q433H, Q439H, Q460H.
Identifiers: ClinVar variation 3063985 (VCV003063985.1), dbSNP rs146944691, ClinGen allele CA2170332.